The following is an entry in ClinVar:

NM_004364.5(CEBPA):c.946G>C (p.Glu316Gln)

Gene: CEBPA (CCAAT enhancer binding protein alpha; minus strand). Cytogenetic location: 19q13.11.
Variant type: single nucleotide variant.
Coding change: c.946G>C on transcript NM_004364.5 (MANE Select); coding-DNA position 946, G replaced by C.
Protein change: p.Glu316Gln; replaces glutamic acid 316 with glutamine.
Molecular consequence: missense variant.
Genome position (GRCh38, 1-based): chr19:33,301,469, C>G on the plus strand (G>C on the coding strand, the complement: CEBPA is on the minus strand). VCF-style: chr19-33301469-C-G. GRCh37 (hg19) VCF-style: chr19-33792375-C-G.
Other names: c.589G>C, p.Glu197Gln (NM_001285829.2); c.1051G>C, p.Glu351Gln (NM_001287424.2); c.904G>C, p.Glu302Gln (NM_001287435.2); short protein forms E197Q, E351Q, E302Q, E316Q.
Identifiers: ClinVar variation 2768993 (VCV002768993.3), dbSNP rs1967161951, ClinGen allele CA405273863.

ClinVar aggregate classification (germline): Uncertain significance (1 of 4 stars; one submission).

Conditions:
Acute myeloid leukemia (AML). Also called: Acute myeloid leukemia, adult; AML adult; Acute non-lymphocytic leukemia; Acute granulocytic leukemia; Leukemia, acute myeloid, somatic; Leukemia, acute myelogenous, somatic. Identifiers: Orphanet 519, MedGen C0023467, MeSH D015470, MONDO:0018874, OMIM 601626, HP:0004808. Disease mechanism: Constitutively activated FLT3.

Submission:

Labcorp Genetics (formerly Invitae), Labcorp
Classification: Uncertain significance for Acute myeloid leukemia. Last evaluated: 2023-10-16. Review status: criteria provided, single submitter. Criteria: Invitae Variant Classification Sherloc (09022015). Collection method: clinical testing. Allele origin: germline.
Comment: This sequence change replaces glutamic acid, which is acidic and polar, with glutamine, which is neutral and polar, at codon 316 of the CEBPA protein (p.Glu316Gln). This variant is not present in population databases (gnomAD no frequency). This variant has not been reported in the literature in individuals affected with CEBPA-related conditions. Advanced modeling of protein sequence and biophysical properties (such as structural, functional, and spatial information, amino acid conservation, physicochemical variation, residue mobility, and thermodynamic stability) performed at Invitae indicates that this missense variant is expected to disrupt CEBPA protein function. In summary, the available evidence is currently insufficient to determine the role of this variant in disease. Therefore, it has been classified as a Variant of Uncertain Significance.